The following is an entry in ClinVar:

ClinVar aggregate classification (germline): Uncertain significance. Review status: criteria provided, multiple submitters, no conflicts (2 of 4 stars). 2 submissions from 2 submitters: Uncertain significance (2). Last evaluated 2024-08-27.

Conditions:
Epidermolysis bullosa simplex with nail dystrophy (EBS5D). Identifiers: MedGen C4225309, MONDO:0014661, OMIM 616487.
Epidermolysis bullosa simplex 5C, with pyloric atresia (EBS5C). Also called: Epidermolysis bullosa simplex with pyloric atresia; PLEC-Related Epidermolysis Bullosa with Pyloric Atresia; PLEC1-Related Epidermolysis Bullosa with Pyloric Atresia. Identifiers: Orphanet 158684, MedGen C2677349, MONDO:0012807, OMIM 612138.
Autosomal recessive limb-girdle muscular dystrophy type 2Q (LGMDR17). Also called: MUSCULAR DYSTROPHY, LIMB-GIRDLE, AUTOSOMAL RECESSIVE 17. Identifiers: Orphanet 254361, MedGen C3150989, MONDO:0013390, OMIM 613723.
Epidermolysis bullosa simplex 5B, with muscular dystrophy (EBS5B). Also called: Epidermolysis bullosa simplex with muscular dystrophy; EPIDERMOLYSIS BULLOSA SIMPLEX AND LIMB-GIRDLE MUSCULAR DYSTROPHY. Identifiers: Orphanet 257, MedGen C2931072, MONDO:0009181, OMIM 226670.
Epidermolysis bullosa simplex, Ogna type (EBS5A). Also called: Pidermolysis bullosa simplex 5A, Ogna type; EPIDERMOLYSIS BULLOSA SIMPLEX 5A, OGNA TYPE. Identifiers: Orphanet 79401, MedGen C0432317, MONDO:0007555, OMIM 131950.

Allele frequency attached by ClinVar (database versions not stated): ExAC 0.00001; gnomAD exomes 0.00001; gnomAD 0.00003; TOPMed 0.00003; 1000 Genomes Project 30x 0.00016; 1000 Genomes Project 0.00020.
gnomAD v4.1: 25 of 1,612,846 alleles (0.0016%); highest among the groups gnomAD compares: African/African-American, 0.0053%; no homozygotes.

Submissions (2):

Mayo Clinic Laboratories, Mayo Clinic
Classification: Uncertain significance. Last evaluated: 2024-08-27. Review status: criteria provided, single submitter. Criteria: ACMG Guidelines, 2015. Collection method: clinical testing. Allele origin: germline. Observed: 1 variant allele.

Labcorp Genetics (formerly Invitae), Labcorp
Classification: Uncertain significance for Autosomal recessive limb-girdle muscular dystrophy type 2Q; Epidermolysis bullosa simplex, Ogna type; Epidermolysis bullosa simplex with nail dystrophy; Epidermolysis bullosa simplex 5C, with pyloric atresia; Epidermolysis bullosa simplex 5B, with muscular dystrophy. Last evaluated: 2022-09-12. Review status: criteria provided, single submitter. Criteria: Invitae Variant Classification Sherloc (09022015). Collection method: clinical testing. Allele origin: germline.
Comment: Algorithms developed to predict the effect of missense changes on protein structure and function (SIFT, PolyPhen-2, Align-GVGD) all suggest that this variant is likely to be disruptive. This sequence change replaces arginine, which is basic and polar, with cysteine, which is neutral and slightly polar, at codon 2799 of the PLEC protein (p.Arg2799Cys). This variant is present in population databases (rs566171490, gnomAD 0.008%). This variant has not been reported in the literature in individuals affected with PLEC-related conditions. In summary, the available evidence is currently insufficient to determine the role of this variant in disease. Therefore, it has been classified as a Variant of Uncertain Significance.

NM_201384.3(PLEC):c.8314C>T (p.Arg2772Cys)

Gene: PLEC (plectin; minus strand). Cytogenetic location: 8q24.3.
Variant type: single nucleotide variant.
Coding change: c.8314C>T on transcript NM_201384.3 (MANE Select); coding-DNA position 8314, C replaced by T.
Protein change: p.Arg2772Cys; replaces arginine 2772 with cysteine.
Molecular consequence: missense variant.
Genome position (GRCh38, 1-based): chr8:143,921,507, G>A on the plus strand (C>T on the coding strand, the complement: PLEC is on the minus strand). VCF-style: chr8-143921507-G-A. GRCh37 (hg19) VCF-style: chr8-144995675-G-A.
Other names: p.Arg2799Cys; c.8395C>T, p.Arg2799Cys (NM_000445.5); c.5014C>T, p.Arg1672Cys (NM_001410941.1); c.8272C>T, p.Arg2758Cys (NM_201378.4); c.8248C>T, p.Arg2750Cys (NM_201379.3); c.8725C>T, p.Arg2909Cys (NM_201380.4); c.8218C>T, p.Arg2740Cys (NM_201381.3); c.8314C>T, p.Arg2772Cys (NM_201382.4); and 1 more; short protein forms R1672C, R2772C, R2799C, R2740C, R2750C, R2776C, R2909C, R2758C.
Identifiers: ClinVar variation 2136819 (VCV002136819.5), dbSNP rs566171490, ClinGen allele CA4925364.
Genomic context (GRCh38, chr8:143,921,507, plus strand): 5'-TGGCTTGGAAGAGAGAGATCTGCTGGCCAGTGTAGGGGTCCTTGTAGCCAGTGACGGCGC[G>A]CTCGGCCGACAGCAGCTTGTGGTGCAGCTCGGGGCCCACCACACCCTCCTTCACAGCCTC-3'
Protein context (NP_958786.1, residues 2762-2782): ELHHKLLSAE[Arg2772Cys]AVTGYKDPYT